The following is an entry in ClinVar:

ClinVar aggregate classification (germline): Uncertain significance. Review status: criteria provided, multiple submitters, no conflicts (2 of 4 stars). 2 submissions from 2 submitters: Uncertain significance (2). Last evaluated 2026-06-15.

Conditions:
ZNF423-related disorder. Also called: ZNF423-related condition.
Nephronophthisis 14 (NPHP14). Identifiers: Orphanet 2318, MedGen C3539071, MONDO:0013916, OMIM 614844.

Allele frequency attached by ClinVar (database versions not stated): gnomAD 0.00001 and 0.00005; gnomAD exomes 0.00001 and 0.00012; TOPMed 0.00001; ExAC 0.00002; 1000 Genomes Project 30x 0.00047; 1000 Genomes Project 0.00060.
gnomAD v4.1: 79 of 1,612,504 alleles (0.0049%); highest among the groups gnomAD compares: East Asian, 0.17%; no homozygotes.

Submissions (2):

PreventionGenetics, part of Exact Sciences
Classification: Uncertain significance for ZNF423-related condition. Last evaluated: 2026-06-15. Review status: criteria provided, single submitter. Criteria: ACMG Guidelines, 2015. Collection method: clinical testing. Allele origin: germline.
Comment: The ZNF423 c.67A>G variant is predicted to result in the amino acid substitution p.Thr23Ala. To our knowledge, this variant has not been reported in the literature. This variant is reported in 0.015% of alleles in individuals of East Asian descent in gnomAD. At this time, the clinical significance of this variant is uncertain due to the absence of conclusive functional and genetic evidence.

Labcorp Genetics (formerly Invitae), Labcorp
Classification: Uncertain significance for Nephronophthisis 14. Last evaluated: 2022-07-25. Review status: criteria provided, single submitter. Criteria: Invitae Variant Classification Sherloc (09022015). Collection method: clinical testing. Allele origin: germline.
Comment: This variant is present in population databases (rs201626636, gnomAD 0.02%). This sequence change replaces threonine, which is neutral and polar, with alanine, which is neutral and non-polar, at codon 23 of the ZNF423 protein (p.Thr23Ala). This variant has not been reported in the literature in individuals affected with ZNF423-related conditions. In summary, the available evidence is currently insufficient to determine the role of this variant in disease. Therefore, it has been classified as a Variant of Uncertain Significance. Algorithms developed to predict the effect of missense changes on protein structure and function output the following: SIFT: "Tolerated"; PolyPhen-2: "Benign"; Align-GVGD: "Class C0". The alanine amino acid residue is found in multiple mammalian species, which suggests that this missense change does not adversely affect protein function. ClinVar contains an entry for this variant (Variation ID: 968972).

NM_001379286.1(ZNF423):c.91A>G (p.Thr31Ala)

Gene: ZNF423 (zinc finger protein 423; minus strand). Cytogenetic location: 16q12.1.
Variant type: single nucleotide variant.
Coding change: c.91A>G on transcript NM_001379286.1 (MANE Select); coding-DNA position 91, A replaced by G.
Protein change: p.Thr31Ala; replaces threonine 31 with alanine.
Molecular consequence: missense variant. On other transcripts: 5 prime UTR variant (1).
Genome position (GRCh38, 1-based): chr16:49,789,496, T>C on the plus strand (A>G on the coding strand, the complement: ZNF423 is on the minus strand). VCF-style: chr16-49789496-T-C. GRCh37 (hg19) VCF-style: chr16-49823407-T-C.
Other names: c.67A>G (NM_015069.4); c.-114A>G (NM_001271620.2); c.67A>G, p.Thr23Ala (NM_015069.5); short protein forms T23A, T31A.
Identifiers: ClinVar variation 968972 (VCV000968972.11), dbSNP rs201626636, ClinGen allele CA8046976.
Genomic context (GRCh38, chr16:49,789,496, plus strand): 5'-GCCAGCCCCCAGGACCCCCTGCAACTCTTCCACCAGCCCCCGGGCATTTACCTGCTGCTG[T>C]CACGGAGGAATCCCAGGCCAGCGAGAAGTCTGAGGCCTCCCCCTCTTCAACTGAAAGAGA-3'
Protein context (NP_001366215.1, residues 21-41): DFSLAWDSSV[Thr31Ala]AAGGLEGEPE